The following is an entry in ClinVar:

ClinVar aggregate classification (germline): Pathogenic. Review status: reviewed by expert panel (3 of 4 stars). 2 submissions from 2 submitters: Pathogenic (1). 1 of the submissions does not count toward it. Last evaluated 2016-10-18.

Conditions:
Breast-ovarian cancer, familial, susceptibility to, 1 (BROVCA1). Also called: BRCA1 Hereditary Breast and Ovarian Cancer; OVARIAN CANCER, SUSCEPTIBILITY TO. Identifiers: Orphanet 145, MedGen C2676676, MONDO:0011450, OMIM 604370. Disease mechanism: loss of function.

Submissions (2):

Evidence-based Network for the Interpretation of Germline Mutant Alleles (ENIGMA)
Classification: Pathogenic for Breast-ovarian cancer, familial, susceptibility to, 1. Last evaluated: 2016-10-18. Review status: reviewed by expert panel. Criteria: ENIGMA BRCA1/2 Classification Criteria (2015). Collection method: curation. Allele origin: germline.
Comment: Variant allele predicted to encode a truncated non-functional protein.

Consortium of Investigators of Modifiers of BRCA1/2 (CIMBA), c/o University of Cambridge
Classification: Pathogenic for Breast-ovarian cancer, familial, susceptibility to, 1. Last evaluated: 2015-10-02. Review status: criteria provided, single submitter. Criteria: CIMBA Mutation Classification guidelines May 2016. Collection method: clinical testing. Allele origin: germline. Not counted in ClinVar's aggregate classification.

NM_007294.4(BRCA1):c.3910del (p.Glu1304fs)

Genes: BRCA1 (BRCA1 DNA repair associated; minus strand), LOC126862571 (BRD4-independent group 4 enhancer GRCh37_chr17:41243136-41244335; plus strand). Cytogenetic location: 17q21.31.
Variant type: Deletion.
Coding change: c.3910del on transcript NM_007294.4 (MANE Select); coding-DNA position 3910, one base deleted (G; older notation c.3910delG).
Protein change: p.Glu1304fs; shifts the reading frame from glutamic acid 1304.
Molecular consequence: frameshift variant. On other transcripts: intron variant (135).
Genome position (GRCh38, 1-based): chr17:43,091,621, C deleted on the plus strand (G on the coding strand, the reverse complement: BRCA1 is on the minus strand); the first of 2 consecutive C bases (chr17:43,091,621-43,091,622); deleting either gives the same sequence. VCF-style (leftmost placement, unchanged base first): chr17-43091620-TC-T. GRCh37 (hg19) VCF-style: chr17-41243637-TC-T.
Other names: 4029delG; c.3526del, p.Glu1176fs (NM_001407962.1); c.3529del, p.Glu1177fs (NM_001407963.1, NM_001407959.1, NM_001407960.1); c.3766del, p.Glu1256fs (NM_001407964.1, NM_001407740.1, NM_001407741.1 and 20 more transcripts); c.3406del, p.Glu1136fs (NM_001407965.1); c.3022del, p.Glu1008fs (NM_001407966.1, NM_001407967.1); c.1306del, p.Glu436fs (NM_001407968.1, NM_001407969.1); c.3769del, p.Glu1257fs (NM_007297.4, NM_001407692.1, NM_001407694.1 and 29 more transcripts); and 43 more; short protein forms E1257fs, E1304fs, E1136fs, E1263fs, E1278fs, E1303fs, E436fs, E1215fs.
Identifiers: ClinVar variation 55047 (VCV000055047.7), dbSNP rs397509117, ClinGen allele CA002516.